The following is an entry in ClinVar:

ClinVar aggregate classification (germline): Uncertain significance (1 of 4 stars; one submission).

Conditions:
Developmental and epileptic encephalopathy, 31A. Also called: Developmental and epileptic encephalopathy, 31; Epileptic encephalopathy, early infantile, 31. Identifiers: Orphanet 2382, MedGen C4225357, MONDO:0014598, OMIM 616346.

Submission:

Labcorp Genetics (formerly Invitae), Labcorp
Classification: Uncertain significance for Developmental and epileptic encephalopathy, 31A. Last evaluated: 2022-11-08. Review status: criteria provided, single submitter. Criteria: Invitae Variant Classification Sherloc (09022015). Collection method: clinical testing. Allele origin: germline.
Comment: Algorithms developed to predict the effect of missense changes on protein structure and function (SIFT, PolyPhen-2, Align-GVGD) all suggest that this variant is likely to be tolerated. In summary, the available evidence is currently insufficient to determine the role of this variant in disease. Therefore, it has been classified as a Variant of Uncertain Significance. This variant has not been reported in the literature in individuals affected with DNM1-related conditions. This variant is not present in population databases (gnomAD no frequency). This sequence change replaces threonine, which is neutral and polar, with lysine, which is basic and polar, at codon 78 of the DNM1 protein (p.Thr78Lys).

NM_004408.4(DNM1):c.233C>A (p.Thr78Lys)

Genes: DNM1 (dynamin 1; plus strand), LOC113839516 (Sharpr-MPRA regulatory region 8497; plus strand). Cytogenetic location: 9q34.11.
Variant type: single nucleotide variant.
Coding change: c.233C>A on transcript NM_004408.4 (MANE Select); coding-DNA position 233, C replaced by A.
Protein change: p.Thr78Lys; replaces threonine 78 with lysine.
Molecular consequence: missense variant.
Genome position (GRCh38, 1-based): chr9:128,218,302, C>A. VCF-style: chr9-128218302-C-A. GRCh37 (hg19) VCF-style: chr9-130980581-C-A.
Other names: c.233C>A, p.Thr78Lys (NM_001005336.3, NM_001288737.2, NM_001288738.2 and 2 more transcripts); short protein forms T78K.
Identifiers: ClinVar variation 2201189 (VCV002201189.4), dbSNP rs2538974598, ClinGen allele CA375010314.